The following is an entry in ClinVar:

ClinVar aggregate classification (germline): Uncertain significance (1 of 4 stars; one submission).

Conditions:
Vertebral, cardiac, renal, and limb defects syndrome 1. Also called: CONGENITAL NAD DEFICIENCY DISORDER 1; 3-HYDROXYANTHRANILIC ACIDEMIA. Identifiers: MedGen C4540004, MONDO:0060554, OMIM 617660.

Allele frequency attached by ClinVar (database versions not stated): gnomAD exomes below 0.00001.
gnomAD v4.1: 3 of 1,550,330 alleles (0.00019%); highest among the groups gnomAD compares: Non-Finnish European, 0.00026%; no homozygotes.

Submission:

Institute of Human Genetics, University of Leipzig Medical Center
Classification: Uncertain significance for Vertebral, cardiac, renal, and limb defects syndrome 1. Last evaluated: 2022-07-25. Review status: criteria provided, single submitter. Criteria: ACMG Guidelines, 2015. Collection method: clinical testing. Allele origin: unknown. Affected: yes.
Comment: _x000D_This variant was identified as compound heterozygous with NM_012205.3:c.524G>C Criteria applied: PM1_SUP, PM2_SUP, PP3

NM_012205.3(HAAO):c.431T>C (p.Ile144Thr)

Gene: HAAO (3-hydroxyanthranilate 3,4-dioxygenase; minus strand). Cytogenetic location: 2p21.
Variant type: single nucleotide variant.
Coding change: c.431T>C on transcript NM_012205.3 (MANE Select); coding-DNA position 431, T replaced by C.
Protein change: p.Ile144Thr; replaces isoleucine 144 with threonine.
Molecular consequence: missense variant.
Genome position (GRCh38, 1-based): chr2:42,770,502, A>G on the plus strand (T>C on the coding strand, the complement: HAAO is on the minus strand). VCF-style: chr2-42770502-A-G. GRCh37 (hg19) VCF-style: chr2-42997642-A-G.
Other names: short protein forms I144T.
Identifiers: ClinVar variation 1707517 (VCV001707517.1), dbSNP rs2466863200, ClinGen allele CA346635638.